The following is an entry in ClinVar:

ClinVar aggregate classification (germline): Uncertain significance (1 of 4 stars; one submission).

Allele frequency attached by ClinVar (database versions not stated): gnomAD exomes below 0.00001 and 0.00001; TOPMed below 0.00001; ExAC 0.00001; gnomAD 0.00001.
gnomAD v4.1: 15 of 1,613,974 alleles (0.00093%); highest among the groups gnomAD compares: East Asian, 0.0022%; no homozygotes.

Submission:

Labcorp Genetics (formerly Invitae), Labcorp
Classification: Uncertain significance. Last evaluated: 2019-11-23. Review status: criteria provided, single submitter. Criteria: Invitae Variant Classification Sherloc (09022015). Collection method: clinical testing. Allele origin: germline.
Comment: This sequence change replaces alanine with threonine at codon 1063 of the TRPM1 protein (p.Ala1063Thr). The alanine residue is highly conserved and there is a small physicochemical difference between alanine and threonine. This variant is present in population databases (rs765540555, ExAC 0.006%). This variant has not been reported in the literature in individuals with TRPM1-related conditions. Algorithms developed to predict the effect of missense changes on protein structure and function (SIFT, PolyPhen-2, Align-GVGD) all suggest that this variant is likely to be disruptive, but these predictions have not been confirmed by published functional studies and their clinical significance is uncertain. In summary, the available evidence is currently insufficient to determine the role of this variant in disease. Therefore, it has been classified as a Variant of Uncertain Significance.

NM_001252024.2(TRPM1):c.3253G>A (p.Ala1085Thr)

Genes: TRPM1 (transient receptor potential cation channel subfamily M member 1; minus strand), TRPM1-AS1 (TRPM1 antisense RNA 1; plus strand). Cytogenetic location: 15q13.3.
Variant type: single nucleotide variant.
Coding change: c.3253G>A on transcript NM_001252024.2 (MANE Select); coding-DNA position 3253, G replaced by A.
Protein change: p.Ala1085Thr; replaces alanine 1085 with threonine.
Molecular consequence: missense variant.
Genome position (GRCh38, 1-based): chr15:31,028,372, C>T on the plus strand (G>A on the coding strand, the complement: TRPM1 is on the minus strand). VCF-style: chr15-31028372-C-T. GRCh37 (hg19) VCF-style: chr15-31320575-C-T.
Other names: c.3304G>A, p.Ala1102Thr (NM_001252020.2); c.3187G>A, p.Ala1063Thr (NM_002420.6); short protein forms A1063T, A1085T, A1102T.
Identifiers: ClinVar variation 862832 (VCV000862832.9), dbSNP rs765540555, ClinGen allele CA7451939.